The following is an entry in ClinVar:

ClinVar aggregate classification (germline): Likely benign (1 of 4 stars; one submission).

Allele frequency attached by ClinVar (database versions not stated): ExAC 0.00001.

Submission:

CeGaT Center for Human Genetics Tuebingen
Classification: Likely benign. Last evaluated: 2023-04-01. Review status: criteria provided, single submitter. Criteria: CeGaT Center For Human Genetics Tuebingen Variant Classification Criteria Version 2. Collection method: clinical testing. Allele origin: germline. Affected: yes. Observed: 1 variant allele.
Comment: KMT2C: PM2:Supporting, BP4, BP7

NM_170606.3(KMT2C):c.7215G>A (p.Glu2405=)

Gene: KMT2C (lysine methyltransferase 2C; minus strand). Cytogenetic location: 7q36.1.
Variant type: single nucleotide variant.
Coding change: c.7215G>A on transcript NM_170606.3 (MANE Select); coding-DNA position 7215, G replaced by A.
Protein change: p.Glu2405=; no amino-acid change (glutamic acid 2405 retained).
Molecular consequence: synonymous variant.
Genome position (GRCh38, 1-based): chr7:152,180,061, C>T on the plus strand (G>A on the coding strand, the complement: KMT2C is on the minus strand). VCF-style: chr7-152180061-C-T. GRCh37 (hg19) VCF-style: chr7-151877146-C-T.
Identifiers: ClinVar variation 2658211 (VCV002658211.24), dbSNP rs773788821, ClinGen allele CA4579916.